The following is an entry in ClinVar:

ClinVar aggregate classification (germline): Benign/Likely benign. Review status: criteria provided, multiple submitters, no conflicts (2 of 4 stars). 3 submissions from 3 submitters: Benign (2); Likely benign (1). Last evaluated 2026-08-01.

Allele frequency attached by ClinVar (database versions not stated): gnomAD exomes 0.00040 and 0.00090; ExAC 0.00116; ESP Exome Variant Server 0.00315; 1000 Genomes Project 0.00379; gnomAD 0.00379 and 0.00410; 1000 Genomes Project 30x 0.00390; TOPMed 0.00475.
gnomAD v4.1: 1,180 of 1,611,864 alleles (0.073%); highest among the groups gnomAD compares: African/African-American, 1.4%; 8 homozygotes.

Submissions (3):

CeGaT Center for Human Genetics Tuebingen
Classification: Likely benign. Last evaluated: 2026-08-01. Review status: criteria provided, single submitter. Criteria: CeGaT Center For Human Genetics Tuebingen Variant Classification Criteria Version 2. Collection method: clinical testing. Allele origin: germline. Affected: yes. Observed: 1 variant allele.
Comment: LSS: BP4, BS1

Labcorp Genetics (formerly Invitae), Labcorp
Classification: Benign. Last evaluated: 2025-10-29. Review status: criteria provided, single submitter. Criteria: Invitae Variant Classification Sherloc (09022015). Collection method: clinical testing. Allele origin: germline.

Breakthrough Genomics
Classification: Benign. Review status: criteria provided, single submitter. Criteria: ACMG Guidelines, 2015. Collection method: not provided. Allele origin: germline. Inheritance: Autosomal recessive inheritance. Affected: yes.

NM_002340.6(LSS):c.805G>A (p.Ala269Thr)

Gene: LSS (lanosterol synthase; minus strand). Cytogenetic location: 21q22.3.
Variant type: single nucleotide variant.
Coding change: c.805G>A on transcript NM_002340.6 (MANE Select); coding-DNA position 805, G replaced by A.
Protein change: p.Ala269Thr; replaces alanine 269 with threonine.
Molecular consequence: missense variant.
Genome position (GRCh38, 1-based): chr21:46,215,772, C>T on the plus strand (G>A on the coding strand, the complement: LSS is on the minus strand). VCF-style: chr21-46215772-C-T. GRCh37 (hg19) VCF-style: chr21-47635686-C-T.
Other names: c.805G>A, p.Ala269Thr (NM_001001438.3); c.772G>A, p.Ala258Thr (NM_001145436.2); c.565G>A, p.Ala189Thr (NM_001145437.2); short protein forms A258T, A269T, A189T.
Identifiers: ClinVar variation 730925 (VCV000730925.10), dbSNP rs143692945, ClinGen allele CA10075314.